The following is an entry in ClinVar:

NM_005004.4(NDUFB8):c.557T>A (p.Ile186Asn)

Gene: NDUFB8 (NADH:ubiquinone oxidoreductase subunit B8; minus strand). Cytogenetic location: 10q24.31.
Variant type: single nucleotide variant.
Coding change: c.557T>A on transcript NM_005004.4 (MANE Select); coding-DNA position 557, T replaced by A.
Protein change: p.Ile186Asn; replaces isoleucine 186 with asparagine.
Molecular consequence: missense variant. On other transcripts: 3 prime UTR variant (1).
Genome position (GRCh38, 1-based): chr10:100,523,841, A>T on the plus strand (T>A on the coding strand, the complement: NDUFB8 is on the minus strand). VCF-style: chr10-100523841-A-T. GRCh37 (hg19) VCF-style: chr10-102283598-A-T.
Other names: c.*248T>A (NM_001284367.2); c.464T>A, p.Ile155Asn (NM_001284368.1); short protein forms I155N, I186N.
Identifiers: ClinVar variation 1366032 (VCV001366032.8), dbSNP rs1353153402, ClinGen allele CA378175195.
Genomic context (GRCh38, chr10:100,523,841, plus strand): 5'-AATTTCTAGGAATGAGGGAGTCCTAGTTAGAGGACCCAAAAGCCCACGAAGCCTCCTCAG[A>T]TCTCATAGTGAACCACCCGCTCTGGTTCTTTGGAGGGATCACCGCCTCGTTCCAGGTACA-3'
Protein context (NP_004995.1, residues 176-186): KEPERVVHYE[Ile186Asn]

ClinVar aggregate classification (germline): Uncertain significance (1 of 4 stars; one submission).

Submission:

Labcorp Genetics (formerly Invitae), Labcorp
Classification: Uncertain significance. Last evaluated: 2025-10-21. Review status: criteria provided, single submitter. Criteria: Invitae Variant Classification Sherloc (09022015). Collection method: clinical testing. Allele origin: germline.
Comment: This sequence change replaces isoleucine, which is neutral and non-polar, with asparagine, which is neutral and polar, at codon 186 of the NDUFB8 protein (p.Ile186Asn). This variant is not present in population databases (gnomAD no frequency). This variant has not been reported in the literature in individuals affected with NDUFB8-related conditions. ClinVar contains an entry for this variant (Variation ID: 1366032). An algorithm developed to predict the effect of missense changes on protein structure and function (PolyPhen-2) suggests that this variant is likely to be disruptive. In summary, the available evidence is currently insufficient to determine the role of this variant in disease. Therefore, it has been classified as a Variant of Uncertain Significance.